The following is an entry in ClinVar:

ClinVar aggregate classification (germline): Uncertain significance. Review status: criteria provided, multiple submitters, no conflicts (2 of 4 stars). 2 submissions from 2 submitters: Uncertain significance (2). Last evaluated 2024-09-03.

Conditions:
Juvenile polyposis syndrome (JPS). Identifiers: Orphanet 2929, MedGen C0345893, MONDO:0017380, OMIM 174900.
Hereditary cancer-predisposing syndrome. Also called: Hereditary neoplastic syndrome; Neoplastic Syndromes, Hereditary; Hereditary Cancer Syndrome; Tumor predisposition. Identifiers: Orphanet 140162, MedGen C0027672, MeSH D009386, MONDO:0015356.

Allele frequency attached by ClinVar (database versions not stated): gnomAD exomes below 0.00001 and 0.00001; ExAC 0.00001.
gnomAD v4.1: 2 of 1,613,954 alleles (0.00012%); highest among the groups gnomAD compares: South Asian, 0.0022%; no homozygotes.

Submissions (2):

Color Diagnostics, LLC DBA Color Health
Classification: Uncertain significance for Hereditary cancer-predisposing syndrome. Last evaluated: 2024-09-03. Review status: criteria provided, single submitter. Criteria: ACMG Guidelines, 2015. Collection method: clinical testing. Allele origin: germline.
Comment: This missense variant replaces phenylalanine with serine at codon 264 of the BMPR1A protein. Computational prediction is inconclusive regarding the impact of this variant on protein structure and function (internally defined REVEL score threshold 0.5 < inconclusive < 0.7, PMID: 27666373). To our knowledge, functional studies have not been reported for this variant. This variant has not been reported in individuals affected with BMPR1A-related disorders in the literature. This variant has been identified in 2/250840 chromosomes in the general population by the Genome Aggregation Database (gnomAD). The available evidence is insufficient to determine the role of this variant in disease conclusively. Therefore, this variant is classified as a Variant of Uncertain Significance.

Labcorp Genetics (formerly Invitae), Labcorp
Classification: Uncertain significance for Juvenile polyposis syndrome. Last evaluated: 2021-12-12. Review status: criteria provided, single submitter. Criteria: Invitae Variant Classification Sherloc (09022015). Collection method: clinical testing. Allele origin: germline.
Comment: In summary, the available evidence is currently insufficient to determine the role of this variant in disease. Therefore, it has been classified as a Variant of Uncertain Significance. Advanced modeling of protein sequence and biophysical properties (such as structural, functional, and spatial information, amino acid conservation, physicochemical variation, residue mobility, and thermodynamic stability) performed at Invitae indicates that this missense variant is not expected to disrupt BMPR1A protein function. This variant has not been reported in the literature in individuals affected with BMPR1A-related conditions. This variant is present in population databases (rs775377247, gnomAD 0.007%). This sequence change replaces phenylalanine, which is neutral and non-polar, with serine, which is neutral and polar, at codon 264 of the BMPR1A protein (p.Phe264Ser).

NM_004329.3(BMPR1A):c.791T>C (p.Phe264Ser)

Gene: BMPR1A (bone morphogenetic protein receptor type 1A; plus strand). Cytogenetic location: 10q23.2.
Variant type: single nucleotide variant.
Coding change: c.791T>C on transcript NM_004329.3 (MANE Select); coding-DNA position 791, T replaced by C.
Protein change: p.Phe264Ser; replaces phenylalanine 264 with serine.
Molecular consequence: missense variant.
Genome position (GRCh38, 1-based): chr10:86,917,249, T>C. VCF-style: chr10-86917249-T-C. GRCh37 (hg19) VCF-style: chr10-88677006-T-C.
Other names: short protein forms F264S.
Identifiers: ClinVar variation 1415970 (VCV001415970.7), dbSNP rs775377247, ClinGen allele CA5585610.